The following is an entry in ClinVar:

NM_000143.4(FH):c.133-1G>A

Gene: FH (fumarate hydratase; minus strand). Cytogenetic location: 1q43.
Variant type: single nucleotide variant.
Coding change: c.133-1G>A on transcript NM_000143.4 (MANE Select); the canonical splice acceptor site of the intron before coding-DNA position 133, G replaced by A.
Molecular consequence: splice acceptor variant.
Genome position (GRCh38, 1-based): chr1:241,517,317, C>T on the plus strand (G>A on the coding strand, the complement: FH is on the minus strand). VCF-style: chr1-241517317-C-T. GRCh37 (hg19) VCF-style: chr1-241680617-C-T.
Identifiers: ClinVar variation 214426 (VCV000214426.2), dbSNP rs863224011, ClinGen allele CA323663.

ClinVar aggregate classification (germline): Pathogenic (1 of 4 stars; one submission).

Conditions:
Hereditary leiomyomatosis and renal cell cancer. Also called: LEIOMYOMA, MULTIPLE CUTANEOUS; Reed syndrome; Multiple cutaneous and uterine leiomyomatosis; Cutaneous leiomyomata with uterine leiomyomata; Leiomyoma, hereditary multiple, of skin; Multiple cutaneous and uterine leiomyomata. Identifiers: Orphanet 523, MedGen C1708350, MONDO:0007888, OMIM 150800, HP:0007437. Disease mechanism: loss of function.

Submission:

Genomic Diagnostic Laboratory, Division of Genomic Diagnostics, Children's Hospital of Philadelphia
Classification: Pathogenic for Hereditary leiomyomatosis and renal cell cancer. Last evaluated: 2017-01-17. Review status: criteria provided, single submitter. Criteria: DGD Variant Analysis Guidelines. Collection method: clinical testing. Allele origin: germline. Affected: yes. Observed: 1 variant allele.
Comment: Clinical Testing